The following is an entry in ClinVar:

ClinVar aggregate classification (germline): Uncertain significance. Review status: criteria provided, multiple submitters, no conflicts (2 of 4 stars). 2 submissions from 2 submitters: Uncertain significance (2). Last evaluated 2022-02-09.

Conditions:
Walker-Warburg congenital muscular dystrophy. Also called: Muscular dystrophy-dystroglycanopathy, type A; Walker-Warburg syndrome. Identifiers: Orphanet 899, MedGen C0265221, MONDO:0000171.
Muscular dystrophy-dystroglycanopathy (congenital with brain and eye anomalies), type A5. Also called: WALKER-WARBURG SYNDROME OR MUSCLE-EYE-BRAIN DISEASE, FKRP-RELATED; MUSCULAR DYSTROPHY-DYSTROGLYCANOPATHY (CONGENITAL WITH BRAIN AND EYE ANOMALIES), TYPE A, 5. Identifiers: Orphanet 588, Orphanet 899, MedGen C3150413, MONDO:0013157, OMIM 613153.

Allele frequency attached by ClinVar (database versions not stated): gnomAD exomes 0.00001; ExAC 0.00003; 1000 Genomes Project 30x 0.00016; 1000 Genomes Project 0.00020; TOPMed below 0.00001; gnomAD 0.00001.

Submissions (2):

Labcorp Genetics (formerly Invitae), Labcorp
Classification: Uncertain significance for Walker-Warburg congenital muscular dystrophy. Last evaluated: 2022-02-09. Review status: criteria provided, single submitter. Criteria: Invitae Variant Classification Sherloc (09022015). Collection method: clinical testing. Allele origin: germline.
Comment: This sequence change replaces glycine, which is neutral and non-polar, with arginine, which is basic and polar, at codon 354 of the FKRP protein (p.Gly354Arg). This variant is present in population databases (rs565499116, gnomAD 0.01%). This variant has not been reported in the literature in individuals affected with FKRP-related conditions. Algorithms developed to predict the effect of missense changes on protein structure and function are either unavailable or do not agree on the potential impact of this missense change (SIFT: "Tolerated"; PolyPhen-2: "Possibly Damaging"; Align-GVGD: "Class C0"). Algorithms developed to predict the effect of sequence changes on RNA splicing suggest that this variant may create or strengthen a splice site. In summary, the available evidence is currently insufficient to determine the role of this variant in disease. Therefore, it has been classified as a Variant of Uncertain Significance.

Clinical Genomics Laboratory, Stanford Medicine
Classification: Uncertain significance for Muscular dystrophy-dystroglycanopathy (congenital with brain and eye anomalies), type A5. Last evaluated: 2021-07-13. Review status: criteria provided, single submitter. Criteria: ACMG Guidelines, 2015. Collection method: clinical testing. Allele origin: germline. Affected: yes. Observed: 1 heterozygote.
Comment: The p.Gly354Arg variant in the FKRP gene has not been previously reported in association with disease.•This varianthas been identified in2/197,492 chromosomesby the Genome Aggregation Database.Although this variant has been seen in the general population, its frequency is low enough to be consistent with a recessive carrier frequency.•The glycine at position 354 is well conserved in mammals, although arginine is observed at this position in several lower species.•Computational tools predict that the p.Gly354Arg variant is deleterious; however, the accuracy of in silicoalgorithms is limited.•These data were assessed using the ACMG/AMP variant interpretation guidelines. In summary, the significance of thep.Gly354Argvariant is uncertain.Additional information is needed to resolve the significance of this variant. [ACMG evidence codes used: PM2; PP3]

NM_024301.5(FKRP):c.1060G>A (p.Gly354Arg)

Gene: FKRP (fukutin related protein; plus strand). Cytogenetic location: 19q13.32.
Variant type: single nucleotide variant.
Coding change: c.1060G>A on transcript NM_024301.5 (MANE Select); coding-DNA position 1060, G replaced by A.
Protein change: p.Gly354Arg; replaces glycine 354 with arginine.
Molecular consequence: missense variant.
Genome position (GRCh38, 1-based): chr19:46,756,510, G>A. VCF-style: chr19-46756510-G-A. GRCh37 (hg19) VCF-style: chr19-47259767-G-A.
Other names: p.Gly354Arg; c.1060G>A, p.Gly354Arg (NM_001039885.3); c.1060G>A (NM_024301.4); short protein forms G354R.
Identifiers: ClinVar variation 1411510 (VCV001411510.4), dbSNP rs565499116, ClinGen allele CA9532237.